The following is an entry in ClinVar:

ClinVar aggregate classification (germline): Uncertain significance (1 of 4 stars; one submission).

Conditions:
Familial sleep-related hypermotor epilepsy. Also called: Autosomal Dominant Sleep-Related Hypermotor (Hyperkinetic) Epilepsy. Identifiers: Orphanet 98784, MedGen C3696898, MONDO:0000030.

Allele frequency attached by ClinVar (database versions not stated): ExAC 0.00006.
gnomAD v4.1: 9 of 1,614,024 alleles (0.00056%); highest among the groups gnomAD compares: Non-Finnish European, 0.00076%; no homozygotes.

Submission:

Labcorp Genetics (formerly Invitae), Labcorp
Classification: Uncertain significance. Last evaluated: 2024-10-30. Review status: criteria provided, single submitter. Criteria: Invitae Variant Classification Sherloc (09022015). Collection method: clinical testing. Allele origin: germline.
Comment: This sequence change replaces arginine, which is basic and polar, with proline, which is neutral and non-polar, at codon 263 of the CHRNA2 protein (p.Arg263Pro). This variant is present in population databases (rs145730990, gnomAD 0.006%). This variant has not been reported in the literature in individuals affected with CHRNA2-related conditions. ClinVar contains an entry for this variant (Variation ID: 2959786). Invitae Evidence Modeling of protein sequence and biophysical properties (such as structural, functional, and spatial information, amino acid conservation, physicochemical variation, residue mobility, and thermodynamic stability) indicates that this missense variant is expected to disrupt CHRNA2 protein function with a positive predictive value of 80%. In summary, the available evidence is currently insufficient to determine the role of this variant in disease. Therefore, it has been classified as a Variant of Uncertain Significance.

NM_000742.4(CHRNA2):c.788G>C (p.Arg263Pro)

Gene: CHRNA2 (cholinergic receptor nicotinic alpha 2 subunit; minus strand). Cytogenetic location: 8p21.2.
Variant type: single nucleotide variant.
Coding change: c.788G>C on transcript NM_000742.4 (MANE Select); coding-DNA position 788, G replaced by C.
Protein change: p.Arg263Pro; replaces arginine 263 with proline.
Molecular consequence: missense variant.
Genome position (GRCh38, 1-based): chr8:27,463,655, C>G on the plus strand (G>C on the coding strand, the complement: CHRNA2 is on the minus strand). VCF-style: chr8-27463655-C-G. GRCh37 (hg19) VCF-style: chr8-27321172-C-G.
Other names: c.743G>C, p.Arg248Pro (NM_001282455.2); c.311G>C, p.Arg104Pro (NM_001347705.2, NM_001347706.2); c.194G>C, p.Arg65Pro (NM_001347707.2, NM_001347708.2); short protein forms R248P, R65P, R263P, R104P.
Identifiers: ClinVar variation 2959786 (VCV002959786.3), dbSNP rs145730990, ClinGen allele CA4689596.
Genomic context (GRCh38, chr8:27,463,655, plus strand): 5'-GTGAGGCAGGAGATGAGCAGGCAGGGGATGATGAGGTTGATGGTGTAGAAGAGCGGCAGC[C>G]GCCGGATGACGAAGGCGTAGGTGACGTCGGGGTAGATCTCGGCGCAGCAGTCGTACTTCT-3'
Protein context (NP_000733.2, residues 253-273): PDVTYAFVIR[Arg263Pro]LPLFYTINLI